The following is an entry in ClinVar:

NM_000203.5(IDUA):c.1169T>C (p.Met390Thr)

Gene: IDUA (alpha-L-iduronidase; plus strand). Cytogenetic location: 4p16.3.
Variant type: single nucleotide variant.
Coding change: c.1169T>C on transcript NM_000203.5 (MANE Select); coding-DNA position 1169, T replaced by C.
Protein change: p.Met390Thr; replaces methionine 390 with threonine.
Molecular consequence: missense variant. On other transcripts: non-coding transcript variant (1).
Genome position (GRCh38, 1-based): chr4:1,002,465, T>C. VCF-style: chr4-1002465-T-C. GRCh37 (hg19) VCF-style: chr4-996253-T-C.
Other names: c.773T>C, p.Met258Thr (NM_001363576.1); c.1169T>C (NM_000203.3); short protein forms M258T, M390T.
Identifiers: ClinVar variation 1496867 (VCV001496867.5), dbSNP rs1157083700, ClinGen allele CA355963466.

ClinVar aggregate classification (germline): Uncertain significance. Review status: criteria provided, multiple submitters, no conflicts (2 of 4 stars). 2 submissions from 2 submitters: Uncertain significance (2). Last evaluated 2023-06-29.

Conditions:
Inborn genetic diseases. Identifiers: MedGen C0950123, MeSH D030342.
Mucopolysaccharidosis type 1. Also called: IDUA deficiency; MPS I. Identifiers: Orphanet 579, MedGen C0023786, MONDO:0001586.

Allele frequency attached by ClinVar (database versions not stated): gnomAD exomes below 0.00001 and 0.00001; TOPMed below 0.00001.
gnomAD v4.1: 3 of 1,546,766 alleles (0.00019%); highest among the groups gnomAD compares: East Asian, 0.0025%; no homozygotes.

Submissions (2):

Ambry Genetics
Classification: Uncertain significance for Inborn genetic diseases. Last evaluated: 2023-06-29. Review status: criteria provided, single submitter. Criteria: Ambry Variant Classification Scheme 2023. Collection method: clinical testing. Allele origin: germline.

Labcorp Genetics (formerly Invitae), Labcorp
Classification: Uncertain significance for Mucopolysaccharidosis type 1. Last evaluated: 2022-06-28. Review status: criteria provided, single submitter. Criteria: Invitae Variant Classification Sherloc (09022015). Collection method: clinical testing. Allele origin: germline.
Comment: This sequence change replaces methionine, which is neutral and non-polar, with threonine, which is neutral and polar, at codon 390 of the IDUA protein (p.Met390Thr). This variant is present in population databases (no rsID available, gnomAD 0.01%). This variant has not been reported in the literature in individuals affected with IDUA-related conditions. Advanced modeling of protein sequence and biophysical properties (such as structural, functional, and spatial information, amino acid conservation, physicochemical variation, residue mobility, and thermodynamic stability) performed at Invitae indicates that this missense variant is expected to disrupt IDUA protein function. In summary, the available evidence is currently insufficient to determine the role of this variant in disease. Therefore, it has been classified as a Variant of Uncertain Significance.